The following is an entry in ClinVar:

ClinVar aggregate classification (germline): Pathogenic/Likely pathogenic. Review status: criteria provided, multiple submitters, no conflicts (2 of 4 stars). 2 submissions from 2 submitters: Pathogenic (1); Likely pathogenic (1). Last evaluated 2024-06-07.

Conditions:
Mucopolysaccharidosis, MPS-II (MPS2). Also called: IDURONATE 2-SULFATASE DEFICIENCY; Mucopolysaccharidosis Type II; Attenuated MPS (subtype; formerly known as mild MPS II); Severe MPS II; I2S deficiency; MPS 2. Identifiers: Orphanet 580, Orphanet 79388, MedGen C0026705, MONDO:0010674, OMIM 309900.

Submissions (2):

Laboratory of Diagnosis and Therapy of Lysosomal Disorders, University of Padova
Classification: Pathogenic for Mucopolysaccharidosis, MPS-II. Last evaluated: 2024-06-07. Review status: criteria provided, single submitter. Criteria: ACMG Guidelines, 2015. Collection method: literature only. Allele origin: germline. Affected: yes. Observed: 1 variant allele.
Comment: Null variant (PVS1_Strong), Absent from controls (or at low frequency) in gnomAD database (PM2_Moderate), Patient’s phenotype or family history highly specific for the disease (PP4_Strong)

Classification method: ACMG Guidelines [PMID:25741868] with modifications

GeneDx
Classification: Likely pathogenic. Last evaluated: 2019-11-01. Review status: criteria provided, single submitter. Criteria: GeneDx Variant Classification Process June 2021. Collection method: clinical testing. Allele origin: germline. Affected: yes.
Comment: Canonical splice site variant predicted to result in an in-frame deletion of a critical region; Not observed in large population cohorts (Lek et al., 2016); This variant is associated with the following publications: (PMID: 22976768)

Literature cited by the submitters: PubMed 22976768 (cited by Laboratory of Diagnosis and Therapy of Lysosomal Disorders, University of Padova).

NM_000202.8(IDS):c.1007-2A>C

Genes: IDS (iduronate 2-sulfatase; minus strand), LOC106050102 (IDS recombination region; plus strand). Cytogenetic location: Xq28.
Variant type: single nucleotide variant.
Coding change: c.1007-2A>C on transcript NM_000202.8 (MANE Select); the canonical splice acceptor site of the intron before coding-DNA position 1007, A replaced by C.
Molecular consequence: splice acceptor variant.
Genome position (GRCh38, 1-based): chrX:149,487,100, T>G on the plus strand (A>C on the coding strand, the complement: IDS is on the minus strand). VCF-style: chrX-149487100-T-G. GRCh37 (hg19) VCF-style: chrX-148568631-T-G.
Other names: c.737-2A>C (NM_001166550.4).
Identifiers: ClinVar variation 1205723 (VCV001205723.5), dbSNP rs2124006451, ClinGen allele CA414519050.